The following is an entry in ClinVar:

ClinVar aggregate classification (germline): Pathogenic (1 of 4 stars; one submission).

Submission:

Labcorp Genetics (formerly Invitae), Labcorp
Classification: Pathogenic. Last evaluated: 2025-03-15. Review status: criteria provided, single submitter. Criteria: Invitae Variant Classification Sherloc (09022015). Collection method: clinical testing. Allele origin: germline.
Comment: This sequence change creates a premature translational stop signal (p.Ala248Profs*27) in the QRSL1 gene. It is expected to result in an absent or disrupted protein product. Loss-of-function variants in QRSL1 are known to be pathogenic (PMID: 26741492, 29440775). This variant is not present in population databases (gnomAD no frequency). This variant has not been reported in the literature in individuals affected with QRSL1-related conditions. For these reasons, this variant has been classified as Pathogenic.

Literature cited by the submitters: PubMed 26741492; PubMed 29440775.

NM_018292.5(QRSL1):c.742del (p.Ala248fs)

Gene: QRSL1 (glutaminyl-tRNA amidotransferase subunit QRSL1; plus strand). Cytogenetic location: 6q21.
Variant type: Deletion.
Coding change: c.742del on transcript NM_018292.5 (MANE Select); coding-DNA position 742, one base deleted (G; older notation c.742delG).
Protein change: p.Ala248fs; shifts the reading frame from alanine 248.
Molecular consequence: frameshift variant.
Genome position (GRCh38, 1-based): chr6:106,652,475, G deleted; the last of 2 consecutive G bases (chr6:106,652,474-106,652,475); deleting either gives the same sequence. VCF-style (leftmost placement, unchanged base first): chr6-106652473-TG-T. GRCh37 (hg19) VCF-style: chr6-107100348-TG-T.
Other names: short protein forms A248fs.
Identifiers: ClinVar variation 4811199 (VCV004811199.1).
Genomic context (GRCh38, chr6:106,652,473, plus strand): 5'-ACAGCTTCTCTATAAAACAATATATCTGTCATTCATAAGTATTGCTCCTTACAGGTGCAC[TG>T]GCCGGACCTGACCCCAGGGACTCTACCACAGTACATGAACCTATTAATAAACCATTCATG-3'